The following is an entry in ClinVar:

NM_000404.4(GLB1):c.846del (p.Thr283fs)

Gene: GLB1 (galactosidase beta 1; minus strand). Cytogenetic location: 3p22.3.
Variant type: Deletion.
Coding change: c.846del on transcript NM_000404.4 (MANE Select); coding-DNA position 846, one base deleted (C; older notation c.846delC).
Protein change: p.Thr283fs; shifts the reading frame from threonine 283.
Molecular consequence: frameshift variant.
Genome position (GRCh38, 1-based): chr3:33,051,951, G deleted on the plus strand (C on the coding strand, the reverse complement: GLB1 is on the minus strand); the first of 2 consecutive G bases (chr3:33,051,951-33,051,952); deleting either gives the same sequence. VCF-style (leftmost placement, unchanged base first): chr3-33051950-TG-T. GRCh37 (hg19) VCF-style: chr3-33093442-TG-T.
Other names: c.756del, p.Thr253fs (NM_001079811.3); c.453del, p.Thr152fs (NM_001135602.3); c.990del, p.Thr331fs (NM_001317040.2); c.846del, p.Thr283fs (NM_001393580.1); short protein forms T152fs, T331fs, T253fs, T283fs.
Identifiers: ClinVar variation 557052 (VCV000557052.12), dbSNP rs1553610382, ClinGen allele CA658821731.

ClinVar aggregate classification (germline): Pathogenic/Likely pathogenic. Review status: criteria provided, multiple submitters, no conflicts (2 of 4 stars). 7 submissions from 7 submitters: Pathogenic (5); Likely pathogenic (1). 1 of the submissions does not count toward it. Last evaluated 2026-08-06.

Conditions:
GM1 gangliosidosis type 2. Also called: Gangliosidosis, Generalized GM1, Type 2; Juvenile GM>1< gangliosidosis; GM1-GANGLIOSIDOSIS, TYPE II; GANGLIOSIDOSIS, GENERALIZED GM1, JUVENILE TYPE; GANGLIOSIDOSIS, GENERALIZED GM1, TYPE II. Identifiers: Orphanet 354, Orphanet 79256, MedGen C0268272, MONDO:0009261, OMIM 230600.
Infantile GM1 gangliosidosis. Also called: Gangliosidosis, Generalized GM1, Type 1; GM1-gangliosidosis, type I; Gangliosidosis, generalized GM1, infantile form; GLB1 deficiency; GM1 gangliosidosis type 1. Identifiers: Orphanet 354, Orphanet 79255, MedGen C0268271, MONDO:0009260, OMIM 230500.
GM1 gangliosidosis type 3. Also called: Gangliosidosis, Generalized GM1, Type 3; Beta-galactosidase deficiency; Adult GM1 gangliosidosis; Type 3 (adult) GM1 gangliosidosis; GM1-GANGLIOSIDOSIS, TYPE III; GANGLIOSIDOSIS, GENERALIZED GM1, ADULT TYPE. Identifiers: Orphanet 79257, MedGen C0268273, MONDO:0009262, OMIM 230650.
Mucopolysaccharidosis, MPS-IV-B (MPS4B). Also called: Mucopolysaccharidosis type 4B; Mucopolysaccharidosis type IVB (Morquio); MPS IVB; Mucopolysaccharidosis type IV B; Mucopolysaccharidosis Type IVB; Mucopolysaccharidosis Type IVB (Morquio B Disease). Identifiers: Orphanet 309310, Orphanet 582, MedGen C0086652, MONDO:0009660, OMIM 253010.
GM1 gangliosidosis. Identifiers: Orphanet 354, MedGen C0085131, MONDO:0018149.

Submissions (7):

OLLIN Analises Genomicas, OLLIN
Classification: Likely pathogenic for Mucopolysaccharidosis, MPS-IV-B. Last evaluated: 2026-08-06. Review status: criteria provided, single submitter. Criteria: ACMG Guidelines 2015 PMID 25741868. Collection method: clinical testing. Allele origin: germline. Inheritance: Autosomal recessive inheritance.
Comment: This frameshift variant, located in exon 8 (of 16), is absent from gnomAD and has not been identified in the literature. However, it has been reported in ClinVar (accession VCV000557052.10). This variant causes a frameshift and introduces a premature stop codon, which is predicted to result in either a truncated protein or degradation of the mRNA via nonsense-mediated decay (NMD). According to the currently available evidence, this variant has been classified as likely pathogenic (PVS1, PM2_P).

Labcorp Genetics (formerly Invitae), Labcorp
Classification: Pathogenic for Mucopolysaccharidosis, MPS-IV-B; GM1 gangliosidosis. Last evaluated: 2025-12-30. Review status: criteria provided, single submitter. Criteria: Invitae Variant Classification Sherloc (09022015). Collection method: clinical testing. Allele origin: germline.
Comment: This sequence change creates a premature translational stop signal (p.Thr283Glnfs*21) in the GLB1 gene. It is expected to result in an absent or disrupted protein product. Loss-of-function variants in GLB1 are known to be pathogenic (PMID: 18524657). This variant is not present in population databases (gnomAD no frequency). This premature translational stop signal has been observed in individual(s) with GM1-gangliosidosis (PMID: 17309651, 21214877). ClinVar contains an entry for this variant (Variation ID: 557052). For these reasons, this variant has been classified as Pathogenic.

Natera, Inc.
Classification: Pathogenic for Mucopolysaccharidosis, MPS-IV-B. Last evaluated: 2025-11-25. Review status: criteria provided, single submitter. Criteria: Natera Variant Classification Schema (03/2026). Collection method: clinical testing. Allele origin: germline.
Comment: The c.846delC variant in GLB1 is a frameshift variant predicted to shift the reading frame beginning at codon 283 and leads to a stop codon 21 codons downstream. This variant is expected to result in nonsense mediated decay, truncation, or a dysfunctional protein product. This variant is rare in the general population with a frequency below the threshold expected for the associated phenotype(s). This variant has been observed in one or more individuals affected with the associated recessive disease, as either homozygous or compound heterozygous with a second variant (PMID: 17309651). Given the available evidence, this variant is classified as Pathogenic.

Dasa
Classification: Pathogenic for mucopolysaccharidosis type 4B. Last evaluated: 2025-10-17. Review status: criteria provided, single submitter. Criteria: DASA Assertion Criteria. Collection method: clinical testing. Allele origin: germline.
Comment: NM_000404.4(GLB1):c.846del (p.Thr283Glnfs*21) is a frameshift variant in GLB1 predicted to alter the reading frame and introduce a premature termination codon and is predicted to result in an absent or altered protein product. Loss of function is an established disease mechanism for GLB1-associated disorders. This variant has been recurrently observed in individuals with GLB1-related disorders (PMID: 17309651; PMID: 21214877). Also, this variant is rare in population databases. Based on the currently available evidence, this variant is classified as pathogenic.

Women's Health and Genetics/Laboratory Corporation of America, LabCorp
Classification: Pathogenic for GM1 gangliosidosis. Last evaluated: 2020-04-08. Review status: criteria provided, single submitter. Criteria: LabCorp Variant Classification Summary - May 2015. Collection method: clinical testing. Allele origin: germline.
Comment: Variant summary: GLB1 c.846delC (p.Thr283GlnfsX21) results in a premature termination codon, predicted to cause a truncation of the encoded protein or absence of the protein due to nonsense mediated decay, which are commonly known mechanisms for disease. Truncations downstream of this position have been classified as pathogenic by our laboratory. The variant was absent in 249510 control chromosomes (gnomAD). c.846delC has been reported in the literature in individuals affected with GM1 gangliosidosis (e.g. Coutinho_2012, Santamaria_2007). These data indicate that the variant is likely to be associated with disease. Two ClinVar submitters (evaluation after 2014) cite the variant as pathogenic. Based on the evidence outlined above, the variant was classified as pathogenic.

Mendelics
Classification: Pathogenic for GM1 gangliosidosis type 2. Last evaluated: 2019-05-28. Review status: criteria provided, single submitter. Criteria: Mendelics Assertion Criteria 2017. Collection method: clinical testing. Allele origin: unknown.

Counsyl
Classification: Pathogenic for Infantile GM1 gangliosidosis; GM1 gangliosidosis type 2; GM1 gangliosidosis type 3; Mucopolysaccharidosis, MPS-IV-B. Last evaluated: 2018-03-07. Review status: no assertion criteria provided. Collection method: clinical testing. Allele origin: unknown. Not counted in ClinVar's aggregate classification.

Literature cited by the submitters: PubMed 18524657 (cited by Labcorp Genetics (formerly Invitae), Labcorp); PubMed 17309651 (cited by 5 submitters); PubMed 21214877 (cited by 4 submitters).